The following is an entry in ClinVar:

NM_001382391.1(CSPP1):c.1828-1G>C

Gene: CSPP1 (centrosome and spindle pole associated protein 1; plus strand). Cytogenetic location: 8q13.2.
Variant type: single nucleotide variant.
Coding change: c.1828-1G>C on transcript NM_001382391.1 (MANE Select); the canonical splice acceptor site of the intron before coding-DNA position 1828, G replaced by C.
Molecular consequence: splice acceptor variant.
Genome position (GRCh38, 1-based): chr8:67,137,455, G>C. VCF-style: chr8-67137455-G-C. GRCh37 (hg19) VCF-style: chr8-68049690-G-C.
Other names: c.1786-1G>C (NM_001363132.2); c.1747-1G>C (NM_001363131.2); c.1705-1G>C (NM_001363133.2); c.1894-1G>C (NM_001364869.1); c.1813-1G>C (NM_024790.7, NM_001438331.1, NM_001438330.1); c.1714-1G>C (NM_001364870.1); c.1282-1G>C (NM_001438332.1); c.931-1G>C (NM_001291339.2).
Identifiers: ClinVar variation 2085506 (VCV002085506.4), dbSNP rs2489231450, ClinGen allele CA371205187.

ClinVar aggregate classification (germline): Likely pathogenic (1 of 4 stars; one submission).

Conditions:
Joubert syndrome 21 (JBTS21). Identifiers: MedGen C3810212, MONDO:0014288, OMIM 615636.

Allele frequency attached by ClinVar (database versions not stated): gnomAD exomes below 0.00001.
gnomAD v4.1: 1 of 1,497,420 alleles (0.000067%); highest among the groups gnomAD compares: Non-Finnish European, 0.00009%; no homozygotes.

Submission:

Labcorp Genetics (formerly Invitae), Labcorp
Classification: Likely pathogenic for Joubert syndrome 21. Last evaluated: 2022-01-16. Review status: criteria provided, single submitter. Criteria: Invitae Variant Classification Sherloc (09022015). Collection method: clinical testing. Allele origin: germline.
Comment: This sequence change affects an acceptor splice site in intron 14 of the CSPP1 gene. It is expected to disrupt RNA splicing. Variants that disrupt the donor or acceptor splice site typically lead to a loss of protein function (PMID: 16199547), and loss-of-function variants in CSPP1 are known to be pathogenic (PMID: 24360807, 24360808). This variant is not present in population databases (gnomAD no frequency). This variant has not been reported in the literature in individuals affected with CSPP1-related conditions. Algorithms developed to predict the effect of sequence changes on RNA splicing suggest that this variant may disrupt the consensus splice site. In summary, the currently available evidence indicates that the variant is pathogenic, but additional data are needed to prove that conclusively. Therefore, this variant has been classified as Likely Pathogenic.

Literature cited by the submitters: PubMed 16199547; PubMed 24360807; PubMed 24360808.